The following is an entry in ClinVar:

NM_016333.4(SRRM2):c.5695C>A (p.Arg1899=)

Gene: SRRM2 (serine/arginine repetitive matrix 2; plus strand). Cytogenetic location: 16p13.3.
Variant type: single nucleotide variant.
Coding change: c.5695C>A on transcript NM_016333.4 (MANE Select); coding-DNA position 5695, C replaced by A.
Protein change: p.Arg1899=; no amino-acid change (arginine 1899 retained).
Molecular consequence: synonymous variant.
Genome position (GRCh38, 1-based): chr16:2,766,223, C>A. VCF-style: chr16-2766223-C-A. GRCh37 (hg19) VCF-style: chr16-2816224-C-A.
Other names: NC_000016.9:g.2816224C>A.
Identifiers: ClinVar variation 4083632 (VCV004083632.10).

ClinVar aggregate classification (germline): Likely benign. Review status: criteria provided, multiple submitters, no conflicts (2 of 4 stars). 2 submissions from 2 submitters: Likely benign (2). Last evaluated 2025-07-01.

gnomAD v4.1: 1,715 of 1,614,174 alleles (0.11%); highest among the groups gnomAD compares: Non-Finnish European, 0.13%; 1 homozygote.

Submissions (3):

CeGaT Center for Human Genetics Tuebingen
Classification: Likely benign. Last evaluated: 2025-07-01. Review status: criteria provided, single submitter. Criteria: CeGaT Center For Human Genetics Tuebingen Variant Classification Criteria Version 2. Collection method: clinical testing. Allele origin: germline. Affected: yes. Observed: 1 variant allele.
Comment: SRRM2: BP4, BP7

Blueprint Genetics
Classification: Likely benign. Last evaluated: 2024-09-04. Review status: criteria provided, single submitter. Criteria: ACMG Guidelines, 2015. Collection method: clinical testing. Allele origin: germline.

Dr. Peter K. Rogan Lab, Western University
No classification provided (evidence only). Condition: Malignant tumor of esophagus. Review status: no classification provided. Collection method: in vitro. Allele origin: not applicable. Functional consequence: retained intron. Not counted in ClinVar's aggregate classification.